The following is an entry in ClinVar:

NM_001365276.2(TNXB):c.8672C>T (p.Pro2891Leu)

Gene: TNXB (tenascin XB; minus strand). Cytogenetic location: 6p21.33.
Variant type: single nucleotide variant.
Coding change: c.8672C>T on transcript NM_001365276.2 (MANE Select); coding-DNA position 8672, C replaced by T.
Protein change: p.Pro2891Leu; replaces proline 2891 with leucine.
Molecular consequence: missense variant.
Genome position (GRCh38, 1-based): chr6:32,053,507, G>A on the plus strand (C>T on the coding strand, the complement: TNXB is on the minus strand). VCF-style: chr6-32053507-G-A. GRCh37 (hg19) VCF-style: chr6-32021284-G-A.
Other names: c.9413C>T, p.Pro3138Leu (NM_001428335.1); c.8666C>T, p.Pro2889Leu (NM_019105.8); short protein forms P2889L, P2891L, P3138L.
Identifiers: ClinVar variation 3227341 (VCV003227341.1), dbSNP rs749347431, ClinGen allele CA3733779.

ClinVar aggregate classification (germline): Uncertain significance (1 of 4 stars; one submission).

Conditions:
Cardiovascular phenotype. Identifiers: MedGen CN230736.

Allele frequency attached by ClinVar (database versions not stated): TOPMed below 0.00001; ExAC 0.00001; gnomAD 0.00001; gnomAD exomes 0.00001.
gnomAD v4.1: 12 of 1,613,288 alleles (0.00074%); highest among the groups gnomAD compares: South Asian, 0.0044%; no homozygotes.

Submission:

Ambry Genetics
Classification: Uncertain significance for Cardiovascular phenotype. Last evaluated: 2023-09-25. Review status: criteria provided, single submitter. Criteria: Ambry Variant Classification Scheme 2023. Collection method: clinical testing. Allele origin: germline.
Comment: The p.P2889L variant (also known as c.8666C>T), located in coding exon 24 of the TNXB gene, results from a C to T substitution at nucleotide position 8666. The proline at codon 2889 is replaced by leucine, an amino acid with similar properties. This amino acid position is conserved. In addition, this alteration is predicted to be tolerated by in silico analysis. Since supporting evidence is limited at this time, the clinical significance of this alteration remains unclear.